The following is an entry in ClinVar:

ClinVar aggregate classification (germline): Uncertain significance (1 of 4 stars; one submission).

Conditions:
FG syndrome (FGS). Identifiers: MedGen C0220769, MONDO:0002010.

Submission:

Labcorp Genetics (formerly Invitae), Labcorp
Classification: Uncertain significance for FG syndrome. Last evaluated: 2024-10-21. Review status: criteria provided, single submitter. Criteria: Invitae Variant Classification Sherloc (09022015). Collection method: clinical testing. Allele origin: germline.
Comment: This sequence change affects codon 1118 of the MED12 mRNA. It is a 'silent' change, meaning that it does not change the encoded amino acid sequence of the MED12 protein. It affects a nucleotide within the consensus splice site. This variant is not present in population databases (gnomAD no frequency). This variant has not been reported in the literature in individuals affected with MED12-related conditions. Algorithms developed to predict the effect of sequence changes on RNA splicing suggest that this variant is not likely to affect RNA splicing. In summary, the available evidence is currently insufficient to determine the role of this variant in disease. Therefore, it has been classified as a Variant of Uncertain Significance.

NM_005120.3(MED12):c.3354T>C (p.Asp1118=)

Gene: MED12 (mediator complex subunit 12; plus strand). Cytogenetic location: Xq13.1.
Variant type: single nucleotide variant.
Coding change: c.3354T>C on transcript NM_005120.3 (MANE Select); coding-DNA position 3354, T replaced by C.
Protein change: p.Asp1118=; no amino-acid change (aspartic acid 1118 retained).
Molecular consequence: synonymous variant.
Genome position (GRCh38, 1-based): chrX:71,128,440, T>C. VCF-style: chrX-71128440-T-C. GRCh37 (hg19) VCF-style: chrX-70348290-T-C.
Identifiers: ClinVar variation 3670059 (VCV003670059.2).